The following is an entry in ClinVar:

ClinVar aggregate classification (germline): Uncertain significance (1 of 4 stars; one submission).

Submission:

Labcorp Genetics (formerly Invitae), Labcorp
Classification: Uncertain significance. Last evaluated: 2025-09-08. Review status: criteria provided, single submitter. Criteria: Invitae Variant Classification Sherloc (09022015). Collection method: clinical testing. Allele origin: germline.
Comment: This sequence change replaces aspartic acid, which is acidic and polar, with asparagine, which is neutral and polar, at codon 1338 of the SAMD9L protein (p.Asp1338Asn). This variant is not present in population databases (gnomAD no frequency). This variant has not been reported in the literature in individuals affected with SAMD9L-related conditions. Invitae Evidence Modeling of protein sequence and biophysical properties (such as structural, functional, and spatial information, amino acid conservation, physicochemical variation, residue mobility, and thermodynamic stability) indicates that this missense variant is not expected to disrupt SAMD9L protein function with a negative predictive value of 80%. In summary, the available evidence is currently insufficient to determine the role of this variant in disease. Therefore, it has been classified as a Variant of Uncertain Significance.

NM_152703.5(SAMD9L):c.4012G>A (p.Asp1338Asn)

Gene: SAMD9L (sterile alpha motif domain containing 9 like; minus strand). Cytogenetic location: 7q21.2.
Variant type: single nucleotide variant.
Coding change: c.4012G>A on transcript NM_152703.5 (MANE Select); coding-DNA position 4012, G replaced by A.
Protein change: p.Asp1338Asn; replaces aspartic acid 1338 with asparagine.
Molecular consequence: missense variant.
Genome position (GRCh38, 1-based): chr7:93,131,960, C>T on the plus strand (G>A on the coding strand, the complement: SAMD9L is on the minus strand). VCF-style: chr7-93131960-C-T. GRCh37 (hg19) VCF-style: chr7-92761273-C-T.
Other names: c.4012G>A, p.Asp1338Asn (NM_001303496.3, NM_001303497.3, NM_001303498.3 and 5 more transcripts); short protein forms D1338N.
Identifiers: ClinVar variation 4745991 (VCV004745991.1).
Genomic context (GRCh38, chr7:93,131,960, plus strand): 5'-CCATGGTGGTAGCATCTTTGTAGTTTGGATTAAGATATTCCAAGAGTCCAGCAAACCTAT[C>T]TGCTCTCAGAGCTTCTAGCTTTTTCCTGCAATTCTCCTCCTGGAGTAATTGACTCTCTTT-3'
Protein context (NP_689916.2, residues 1328-1348): CRKKLEALRA[Asp1338Asn]RFAGLLEYLN